The following is an entry in ClinVar:

ClinVar aggregate classification (germline): Uncertain significance (1 of 4 stars; one submission).

Conditions:
Inflammatory bowel disease 28. Also called: Inflammatory bowel disease 28, early onset, autosomal recessive. Identifiers: Orphanet 238569, MedGen C2751053, MONDO:0013153, OMIM 613148.

Allele frequency attached by ClinVar (database versions not stated): gnomAD exomes below 0.00001.

Submission:

Labcorp Genetics (formerly Invitae), Labcorp
Classification: Uncertain significance for Inflammatory bowel disease 28. Last evaluated: 2020-11-04. Review status: criteria provided, single submitter. Criteria: Invitae Variant Classification Sherloc (09022015). Collection method: clinical testing. Allele origin: germline.
Comment: In summary, the available evidence is currently insufficient to determine the role of this variant in disease. Therefore, it has been classified as a Variant of Uncertain Significance. Algorithms developed to predict the effect of missense changes on protein structure and function are either unavailable or do not agree on the potential impact of this missense change (SIFT: "Tolerated"; PolyPhen-2: "Possibly Damaging"; Align-GVGD: "Class C0"). This variant has not been reported in the literature in individuals with IL10RA-related conditions. This variant is not present in population databases (ExAC no frequency). This sequence change replaces aspartic acid with glutamic acid at codon 291 of the IL10RA protein (p.Asp291Glu). The aspartic acid residue is highly conserved and there is a small physicochemical difference between aspartic acid and glutamic acid.

NM_001558.4(IL10RA):c.873C>G (p.Asp291Glu)

Gene: IL10RA (interleukin 10 receptor subunit alpha; plus strand). Cytogenetic location: 11q23.3.
Variant type: single nucleotide variant.
Coding change: c.873C>G on transcript NM_001558.4 (MANE Select); coding-DNA position 873, C replaced by G.
Protein change: p.Asp291Glu; replaces aspartic acid 291 with glutamic acid.
Molecular consequence: missense variant. On other transcripts: non-coding transcript variant (1).
Genome position (GRCh38, 1-based): chr11:117,998,777, C>G. VCF-style: chr11-117998777-C-G. GRCh37 (hg19) VCF-style: chr11-117869492-C-G.
Other names: short protein forms D291E.
Identifiers: ClinVar variation 1461773 (VCV001461773.8), dbSNP rs2134995540, ClinGen allele CA382778891.